The following is an entry in ClinVar:

ClinVar aggregate classification (germline): Pathogenic (1 of 4 stars; one submission).

Submission:

CeGaT Center for Human Genetics Tuebingen
Classification: Pathogenic. Last evaluated: 2022-10-01. Review status: criteria provided, single submitter. Criteria: CeGaT Center For Human Genetics Tuebingen Variant Classification Criteria Version 2. Collection method: clinical testing. Allele origin: germline. Affected: yes. Observed: 1 variant allele.
Comment: CHD7: PVS1, PM2

NM_017780.4(CHD7):c.7426dup (p.Asp2476fs)

Gene: CHD7 (chromodomain helicase DNA binding protein 7; plus strand). Cytogenetic location: 8q12.2.
Variant type: Duplication.
Coding change: c.7426dup on transcript NM_017780.4 (MANE Select); coding-DNA position 7426, one base duplicated (G; older notation c.7426dupG).
Protein change: p.Asp2476fs; shifts the reading frame from aspartic acid 2476.
Molecular consequence: frameshift variant. On other transcripts: intron variant (1).
Genome position (GRCh38, 1-based): chr8:60,856,706, G duplicated. VCF-style (leftmost placement, unchanged base first): chr8-60856705-T-TG. GRCh37 (hg19) VCF-style: chr8-61769264-T-TG.
Other names: c.1717-5523dup (NM_001316690.1); short protein forms D2476fs.
Identifiers: ClinVar variation 1879715 (VCV001879715.29), dbSNP rs2488076177, ClinGen allele CA2580078884.
Genomic context (GRCh38, chr8:60,856,705, plus strand): 5'-CTCAAATTTTTCATCTCTTTCTTCAAAGTTTATCTTGCCTAATGTCTCAACACCAGTGTC[T>TG]GATGCCTTTAAGACTCAAATGGAACTGCTCCAAGCAGGCCTTTCGCGCACACCCACAAGG-3'